The following is an entry in ClinVar:

ClinVar aggregate classification (germline): Uncertain significance (1 of 4 stars; one submission).

Allele frequency attached by ClinVar (database versions not stated): gnomAD exomes below 0.00001.

Submission:

Women's Health and Genetics/Laboratory Corporation of America, LabCorp
Classification: Uncertain significance. Last evaluated: 2024-01-04. Review status: criteria provided, single submitter. Criteria: LabCorp Variant Classification Summary - May 2015. Collection method: clinical testing. Allele origin: germline.
Comment: Variant summary: KCNQ2 c.388-4G>T alters a non-conserved nucleotide located close to a canonical splice site and therefore could affect mRNA splicing, leading to a significantly altered protein sequence. Consensus agreement among computation tools predict no significant impact on normal splicing. However, these predictions have yet to be confirmed by functional studies. The variant was absent in 250392 control chromosomes. The available data on variant occurrences in the general population are insufficient to allow any conclusion about variant significance. To our knowledge, no occurrence of c.388-4G>T in individuals affected with KCNQ2-Related Disorders and no experimental evidence demonstrating its impact on protein function have been reported. No submitters have cited clinical-significance assessments for this variant to ClinVar after 2014. Based on the evidence outlined above, the variant was classified as uncertain significance.

NM_172107.4(KCNQ2):c.388-4G>T

Gene: KCNQ2 (potassium voltage-gated channel subfamily Q member 2; minus strand). Cytogenetic location: 20q13.33.
Variant type: single nucleotide variant.
Coding change: c.388-4G>T on transcript NM_172107.4 (MANE Select); 4 bases into the intron before coding-DNA position 388, G replaced by T.
Molecular consequence: intron variant.
Genome position (GRCh38, 1-based): chr20:63,445,368, C>A on the plus strand (G>T on the coding strand, the complement: KCNQ2 is on the minus strand). VCF-style: chr20-63445368-C-A. GRCh37 (hg19) VCF-style: chr20-62076721-C-A.
Other names: c.388-4G>T (NM_004518.6, NM_172108.5, NM_172106.3 and 2 more transcripts).
Identifiers: ClinVar variation 3063774 (VCV003063774.1), dbSNP rs761862856, ClinGen allele CA1019284447.